The following is an entry in ClinVar:

ClinVar aggregate classification (germline): Uncertain significance (1 of 4 stars; one submission).

gnomAD v4.1: 162 of 1,607,238 alleles (0.01%); highest among the groups gnomAD compares: Non-Finnish European, 0.012%; no homozygotes.

Submission:

Women's Health and Genetics/Laboratory Corporation of America, LabCorp
Classification: Uncertain significance. Last evaluated: 2024-12-05. Review status: criteria provided, single submitter. Criteria: LabCorp Variant Classification Summary - May 2015. Collection method: clinical testing. Allele origin: germline.
Comment: Variant summary: TRAPPC10 c.1038+8G>A alters a non-conserved nucleotide located close to a canonical splice site and therefore could affect mRNA splicing, leading to a significantly altered protein sequence. Consensus agreement among computation tools predict no significant impact on normal splicing. However, these predictions have yet to be confirmed by functional studies. The variant allele was found at a frequency of 2.8e-05 in 245910 control chromosomes. The available data on variant occurrences in the general population are insufficient to allow any conclusion about variant significance. To our knowledge, no occurrence of c.1038+8G>A in individuals affected with Neurodevelopmental Disorder With Microcephaly, Short Stature, And Speech Delay and no experimental evidence demonstrating its impact on protein function have been reported. No submitters have cited clinical-significance assessments for this variant to ClinVar. Based on the evidence outlined above, the variant was classified as uncertain significance.

NM_003274.5(TRAPPC10):c.1038+8G>A

Gene: TRAPPC10 (trafficking protein particle complex subunit 10; plus strand). Cytogenetic location: 21q22.3.
Variant type: single nucleotide variant.
Coding change: c.1038+8G>A on transcript NM_003274.5 (MANE Select); 8 bases into the intron after coding-DNA position 1038, G replaced by A.
Molecular consequence: intron variant.
Genome position (GRCh38, 1-based): chr21:44,063,793, G>A. VCF-style: chr21-44063793-G-A. GRCh37 (hg19) VCF-style: chr21-45483674-G-A.
Identifiers: ClinVar variation 3768229 (VCV003768229.1).